The following is an entry in ClinVar:

NM_138927.4(SON):c.649G>A (p.Val217Ile)

Gene: SON (SON DNA and RNA binding protein; plus strand). Cytogenetic location: 21q22.11.
Variant type: single nucleotide variant.
Coding change: c.649G>A on transcript NM_138927.4 (MANE Select); coding-DNA position 649, G replaced by A.
Protein change: p.Val217Ile; replaces valine 217 with isoleucine.
Molecular consequence: missense variant. On other transcripts: non-coding transcript variant (1), intron variant (1).
Genome position (GRCh38, 1-based): chr21:33,549,880, G>A. VCF-style: chr21-33549880-G-A. GRCh37 (hg19) VCF-style: chr21-34922186-G-A.
Other names: c.649G>A, p.Val217Ile (NM_001291411.2, NM_032195.3); c.244+3501G>A (NM_001291412.3); short protein forms V217I.
Identifiers: ClinVar variation 3639567 (VCV003639567.2).

ClinVar aggregate classification (germline): Uncertain significance (1 of 4 stars; one submission).

Submission:

Labcorp Genetics (formerly Invitae), Labcorp
Classification: Uncertain significance. Last evaluated: 2024-10-15. Review status: criteria provided, single submitter. Criteria: Invitae Variant Classification Sherloc (09022015). Collection method: clinical testing. Allele origin: germline.
Comment: This sequence change replaces valine, which is neutral and non-polar, with isoleucine, which is neutral and non-polar, at codon 217 of the SON protein (p.Val217Ile). This variant is not present in population databases (gnomAD no frequency). This variant has not been reported in the literature in individuals affected with SON-related conditions. An algorithm developed to predict the effect of missense changes on protein structure and function (PolyPhen-2) suggests that this variant is likely to be tolerated. In summary, the available evidence is currently insufficient to determine the role of this variant in disease. Therefore, it has been classified as a Variant of Uncertain Significance.